The following is an entry in ClinVar:

NM_001267550.2(TTN):c.29134+3A>G

Gene: TTN (titin; minus strand). Cytogenetic location: 2q31.2.
Variant type: single nucleotide variant.
Coding change: c.29134+3A>G on transcript NM_001267550.2 (MANE Select); 3 bases into the intron after coding-DNA position 29134, A replaced by G.
Molecular consequence: intron variant.
Genome position (GRCh38, 1-based): chr2:178,706,859, T>C on the plus strand (A>G on the coding strand, the complement: TTN is on the minus strand). VCF-style: chr2-178706859-T-C. GRCh37 (hg19) VCF-style: chr2-179571586-T-C.
Other names: c.13282+31223A>G (NM_003319.4); c.13858+31223A>G (NM_133437.4); c.13657+31223A>G (NM_133432.3); c.25402+3A>G (NM_133378.4); c.28183+3A>G (NM_001256850.1).
Identifiers: ClinVar variation 1394805 (VCV001394805.6), dbSNP rs2154292612, ClinGen allele CA2573133878.

ClinVar aggregate classification (germline): Uncertain significance (1 of 4 stars; one submission).

Conditions:
Dilated cardiomyopathy 1G (CMD1G). Identifiers: Orphanet 154, MedGen C1858763, MONDO:0011400, OMIM 604145.
Autosomal recessive limb-girdle muscular dystrophy type 2J (LGMDR10). Also called: Limb-girdle muscular dystrophy, type 2J; MUSCULAR DYSTROPHY, LIMB-GIRDLE, AUTOSOMAL RECESSIVE 10. Identifiers: Orphanet 140922, MedGen C1837342, MONDO:0012127, OMIM 608807.

Submission:

Labcorp Genetics (formerly Invitae), Labcorp
Classification: Uncertain significance for Dilated cardiomyopathy 1G; Autosomal recessive limb-girdle muscular dystrophy type 2J. Last evaluated: 2021-10-04. Review status: criteria provided, single submitter. Criteria: Invitae Variant Classification Sherloc (09022015). Collection method: clinical testing. Allele origin: germline.
Comment: Variants that disrupt the consensus splice site are a relatively common cause of aberrant splicing (PMID: 17576681, 9536098). Algorithms developed to predict the effect of sequence changes on RNA splicing suggest that this variant is not likely to affect RNA splicing. In summary, the available evidence is currently insufficient to determine the role of this variant in disease. Therefore, it has been classified as a Variant of Uncertain Significance. This variant is located in the I band of TTN (PMID: 25589632). Variants in this region may be clinically relevant, but have not been definitively shown to cause cardiomyopathy or neuromuscular disease (PMID: 27493940, 32778822). This variant has not been reported in the literature in individuals affected with TTN-related conditions. This sequence change falls in intron 101 of the TTN gene. It does not directly change the encoded amino acid sequence of the TTN protein. It affects a nucleotide within the consensus splice site of the intron. This variant is not present in population databases (ExAC no frequency).

Literature cited by the submitters: PubMed 17576681; PubMed 9536098; PubMed 25589632; PubMed 27493940; PubMed 32778822.